The following is an entry in ClinVar:

ClinVar aggregate classification (germline): not provided (0 of 4 stars; one submission).

Conditions:
Normal pregnancy. Identifiers: MedGen C0232989.

Submission:

Institute of Molecular and Cell Biology, University of Tartu
No classification provided. Condition: Normal pregnancy. Review status: no classification provided. Collection method: case-control. Allele origin: unknown. Affected: yes. Study: Kasak2014.
Comment: The study aimed to determine the contribution of copy number variants in the genetic etiology of normal and complicated pregnancies. The samples represented (i) maternal blood DNA drawn from healthy pregnant women during 1st or 2nd trimester and (ii) maternal and paternal blood DNA drawn at term pregnancy cases representing normal and complicated gestations (severe preeclampsia, PE; gestational diabetes, GD; small-for-gestational age newborn, SGA; large-for-gestational age newborn, LGA). We performed CNV calling based on genome-wide genotyping dataset (Illumina HumanOmniExpress-24-v1 BeadChip) by applying three algorithms, QuantiSNP, GADA (Genome Alteration Detection Algorithm) and CNstream in parallel. The acquired CNV calls were merged with HD-CNV (Hotspot Detector for Copy Number Variants) program and only the CNVs predicted by at least two programs, were considered in subsequent analysis.

Literature cited by the submitters: PubMed 25666259.

Single allele

Gene: GALC (galactosylceramidase; minus strand). Cytogenetic location: 14q31.3.
Variant type: Deletion.
Identifiers: ClinVar variation 157318 (VCV000157318.2).